The following is an entry in ClinVar:

NM_000135.4(FANCA):c.178C>G (p.Leu60Val)

Gene: FANCA (FA complementation group A; minus strand). Cytogenetic location: 16q24.3.
Variant type: single nucleotide variant.
Coding change: c.178C>G on transcript NM_000135.4 (MANE Select); coding-DNA position 178, C replaced by G.
Protein change: p.Leu60Val; replaces leucine 60 with valine.
Molecular consequence: missense variant.
Genome position (GRCh38, 1-based): chr16:89,815,888, G>C on the plus strand (C>G on the coding strand, the complement: FANCA is on the minus strand). VCF-style: chr16-89815888-G-C. GRCh37 (hg19) VCF-style: chr16-89882296-G-C.
Other names: c.178C>G, p.Leu60Val (NM_001018112.3, NM_001286167.3, NM_001351830.2); short protein forms L60V.
Identifiers: ClinVar variation 3848118 (VCV003848118.1).

ClinVar aggregate classification (germline): Uncertain significance (1 of 4 stars; one submission).

Conditions:
Inborn genetic diseases. Identifiers: MedGen C0950123, MeSH D030342.

gnomAD v4.1: 2 of 1,612,848 alleles (0.00012%); highest among the groups gnomAD compares: African/African-American, 0.0013%; no homozygotes.

Submission:

Ambry Genetics
Classification: Uncertain significance for Inborn genetic diseases. Last evaluated: 2025-01-17. Review status: criteria provided, single submitter. Criteria: Ambry Variant Classification Scheme 2023. Collection method: clinical testing. Allele origin: germline.
Comment: The p.L60V variant (also known as c.178C>G), located in coding exon 2 of the FANCA gene, results from a C to G substitution at nucleotide position 178. The leucine at codon 60 is replaced by valine, an amino acid with highly similar properties. This amino acid position is conserved. In addition, this alteration is predicted to be tolerated by in silico analysis. Based on the available evidence, the clinical significance of this variant remains unclear.